The following is an entry in ClinVar:

NM_000384.3(APOB):c.5616C>G (p.Ile1872Met)

Gene: APOB (apolipoprotein B; minus strand). Cytogenetic location: 2p24.1.
Variant type: single nucleotide variant.
Coding change: c.5616C>G on transcript NM_000384.3 (MANE Select); coding-DNA position 5616, C replaced by G.
Protein change: p.Ile1872Met; replaces isoleucine 1872 with methionine.
Molecular consequence: missense variant.
Genome position (GRCh38, 1-based): chr2:21,011,252, G>C on the plus strand (C>G on the coding strand, the complement: APOB is on the minus strand). VCF-style: chr2-21011252-G-C. GRCh37 (hg19) VCF-style: chr2-21234124-G-C.
Other names: short protein forms I1872M.
Identifiers: ClinVar variation 5027679 (VCV005027679.1).

ClinVar aggregate classification (germline): Uncertain significance (1 of 4 stars; one submission).

Conditions:
Cardiovascular phenotype. Identifiers: MedGen CN230736.

gnomAD v4.1: 1 of 1,614,088 alleles (0.000062%); highest among the groups gnomAD compares: African/African-American, 0.0013%; no homozygotes.

Submission:

Ambry Genetics
Classification: Uncertain significance for Cardiovascular phenotype. Last evaluated: 2026-07-13. Review status: criteria provided, single submitter. Criteria: Ambry Variant Classification Scheme 2023. Collection method: clinical testing. Allele origin: germline.
Comment: The p.I1872M variant (also known as c.5616C>G), located in coding exon 26 of the APOB gene, results from a C to G substitution at nucleotide position 5616. The isoleucine at codon 1872 is replaced by methionine, an amino acid with highly similar properties. This amino acid position is conserved. In addition, this alteration is predicted to be tolerated by in silico analysis. Based on the available evidence, the clinical significance of this variant remains unclear.